The following is an entry in ClinVar:

ClinVar aggregate classification (germline): Uncertain significance. Review status: criteria provided, multiple submitters, no conflicts (2 of 4 stars). 2 submissions from 2 submitters: Uncertain significance (2). Last evaluated 2025-10-19.

Conditions:
Left ventricular noncompaction 8 (LVNC8). Identifiers: Orphanet 154, Orphanet 54260, MedGen C3809288, MONDO:0014152, OMIM 615373.

Allele frequency attached by ClinVar (database versions not stated): gnomAD exomes below 0.00001; gnomAD 0.00001.
gnomAD v4.1: 5 of 1,613,672 alleles (0.00031%); highest among the groups gnomAD compares: African/African-American, 0.0013%; no homozygotes.

Submissions (2):

Labcorp Genetics (formerly Invitae), Labcorp
Classification: Uncertain significance for Left ventricular noncompaction 8. Last evaluated: 2025-10-19. Review status: criteria provided, single submitter. Criteria: Invitae Variant Classification Sherloc (09022015). Collection method: clinical testing. Allele origin: germline.
Comment: This sequence change replaces isoleucine, which is neutral and non-polar, with threonine, which is neutral and polar, at codon 901 of the PRDM16 protein (p.Ile901Thr). This variant is present in population databases (no rsID available, gnomAD 0.003%). This variant has not been reported in the literature in individuals affected with PRDM16-related conditions. ClinVar contains an entry for this variant (Variation ID: 1060488). An algorithm developed to predict the effect of missense changes on protein structure and function (PolyPhen-2) suggests that this variant is likely to be disruptive. In summary, the available evidence is currently insufficient to determine the role of this variant in disease. Therefore, it has been classified as a Variant of Uncertain Significance.

Fulgent Genetics
Classification: Uncertain significance for Left ventricular noncompaction 8. Last evaluated: 2021-10-11. Review status: criteria provided, single submitter. Criteria: ACMG Guidelines, 2015. Collection method: clinical testing. Allele origin: unknown.

NM_022114.4(PRDM16):c.2702T>C (p.Ile901Thr)

Gene: PRDM16 (PR/SET domain 16; plus strand). Cytogenetic location: 1p36.32.
Variant type: single nucleotide variant.
Coding change: c.2702T>C on transcript NM_022114.4 (MANE Select); coding-DNA position 2702, T replaced by C.
Protein change: p.Ile901Thr; replaces isoleucine 901 with threonine.
Molecular consequence: missense variant.
Genome position (GRCh38, 1-based): chr1:3,417,838, T>C. VCF-style: chr1-3417838-T-C. GRCh37 (hg19) VCF-style: chr1-3334402-T-C.
Other names: c.2702T>C, p.Ile901Thr (NM_199454.3); short protein forms I901T.
Identifiers: ClinVar variation 1060488 (VCV001060488.10), dbSNP rs1482371535, ClinGen allele CA338001331.